The following is an entry in ClinVar:

NM_024675.4(PALB2):c.509G>C (p.Arg170Thr)

Gene: PALB2 (partner and localizer of BRCA2; minus strand). Cytogenetic location: 16p12.2.
Variant type: single nucleotide variant.
Coding change: c.509G>C on transcript NM_024675.4 (MANE Select); coding-DNA position 509, G replaced by C.
Protein change: p.Arg170Thr; replaces arginine 170 with threonine.
Molecular consequence: missense variant.
Genome position (GRCh38, 1-based): chr16:23,636,037, C>G on the plus strand (G>C on the coding strand, the complement: PALB2 is on the minus strand). VCF-style: chr16-23636037-C-G. GRCh37 (hg19) VCF-style: chr16-23647358-C-G.
Other names: short protein forms R170T.
Identifiers: ClinVar variation 484210 (VCV000484210.27), dbSNP rs898765598, ClinGen allele CA279499902.

ClinVar aggregate classification (germline): Conflicting classifications of pathogenicity. Review status: criteria provided, conflicting classifications (1 of 4 stars). 8 submissions from 8 submitters: Uncertain significance (4); Likely benign (2). 2 of the submissions do not count toward it. Last evaluated 2025-01-10.

Conditions:
Hereditary cancer-predisposing syndrome. Also called: Tumor predisposition; Hereditary Cancer Syndrome; Neoplastic Syndromes, Hereditary; Hereditary neoplastic syndrome. Identifiers: Orphanet 140162, MedGen C0027672, MeSH D009386, MONDO:0015356.
Familial cancer of breast. Also called: hereditary breast carcinoma; Hereditary breast cancer; BREAST CANCER, FAMILIAL. Identifiers: Orphanet 227535, MedGen C0346153, MONDO:0016419, OMIM 114480. Disease mechanism: loss of function.

Allele frequency attached by ClinVar (database versions not stated): TOPMed 0.00001; gnomAD exomes 0.00001.
gnomAD v4.1: 3 of 1,614,050 alleles (0.00019%); highest among the groups gnomAD compares: Non-Finnish European, 0.00025%; no homozygotes.

Submissions (8):

Myriad Genetics, Inc.
Classification: Likely benign for Familial cancer of breast. Last evaluated: 2025-01-10. Review status: criteria provided, single submitter. Criteria: Myriad Autosomal Dominant, Autosomal Recessive and X-Linked Classification Criteria (2023). Collection method: clinical testing. Allele origin: unknown.
Comment: This variant is considered likely benign. This variant has been observed in trans with a known pathogenic variant in one or more individuals lacking clinical features consistent with gene-specific recessive disease.

Labcorp Genetics (formerly Invitae), Labcorp
Classification: Uncertain significance for Familial cancer of breast. Last evaluated: 2024-10-10. Review status: criteria provided, single submitter. Criteria: Invitae Variant Classification Sherloc (09022015). Collection method: clinical testing. Allele origin: germline.
Comment: This sequence change replaces arginine, which is basic and polar, with threonine, which is neutral and polar, at codon 170 of the PALB2 protein (p.Arg170Thr). This variant is not present in population databases (gnomAD no frequency). This variant has not been reported in the literature in individuals affected with PALB2-related conditions. ClinVar contains an entry for this variant (Variation ID: 484210). An algorithm developed to predict the effect of missense changes on protein structure and function outputs the following: PolyPhen-2: "Benign". The threonine amino acid residue is found in multiple mammalian species, which suggests that this missense change does not adversely affect protein function. In summary, the available evidence is currently insufficient to determine the role of this variant in disease. Therefore, it has been classified as a Variant of Uncertain Significance.

Blueprint Genetics
Classification: Uncertain significance. Last evaluated: 2024-05-17. Review status: criteria provided, single submitter. Criteria: ACMG Guidelines, 2015. Collection method: clinical testing. Allele origin: germline.

Ambry Genetics
Classification: Likely benign for Hereditary cancer-predisposing syndrome. Last evaluated: 2024-01-09. Review status: criteria provided, single submitter. Criteria: Ambry Variant Classification Scheme 2023. Collection method: clinical testing. Allele origin: germline.

GeneDx
Classification: Uncertain significance. Last evaluated: 2023-11-20. Review status: criteria provided, single submitter. Criteria: GeneDx Variant Classification Process June 2021. Collection method: clinical testing. Allele origin: germline. Affected: yes.
Comment: Not observed at significant frequency in large population cohorts (gnomAD); In silico analysis supports that this missense variant does not alter protein structure/function; Identified in an individual with breast and/or ovarian cancer (PMID: 37686625); This variant is associated with the following publications: (PMID: 37686625, 20871615, 19369211)

Color Diagnostics, LLC DBA Color Health
Classification: Uncertain significance for Hereditary cancer-predisposing syndrome. Last evaluated: 2023-06-14. Review status: criteria provided, single submitter. Criteria: ACMG Guidelines, 2015. Collection method: clinical testing. Allele origin: germline.
Comment: This missense variant replaces arginine with threonine at codon 170 of the PALB2 protein. Computational prediction suggests that this variant may not impact protein structure and function (internally defined REVEL score threshold <= 0.5, PMID: 27666373). To our knowledge, functional studies have not been reported for this variant. This variant has not been reported in individuals affected with PALB2-related disorders in the literature. This variant has not been identified in the general population by the Genome Aggregation Database (gnomAD). The available evidence is insufficient to determine the role of this variant in disease conclusively. Therefore, this variant is classified as a Variant of Uncertain Significance.

Leiden Open Variation Database
Classification: Uncertain significance. Last evaluated: 2019-05-13. Review status: no assertion criteria provided. Collection method: curation. Allele origin: germline. Affected: yes. Not counted in ClinVar's aggregate classification.
Comment: Curators: Marc Tischkowitz, Arleen D. Auerbach. Submitter to LOVD: Andreas Laner.

Department of Pathology and Laboratory Medicine, Sinai Health System
Classification: Uncertain significance. Review status: no assertion criteria provided. Collection method: clinical testing. Allele origin: unknown. Affected: yes. Study: The Canadian Open Genetics Repository (COGR). Not counted in ClinVar's aggregate classification.
Comment: The PALB2 p.Arg170Thr variant was not identified in the literature nor was it identified in the Cosmic, MutDB, LOVD 3.0, or the Zhejiang University database. The variant was identified in dbSNP (ID: rs898765598) as "With Uncertain significance allele", and in ClinVar (classified as uncertain significance by Ambry Genetics). The variant was not identified in the following control databases: the Exome Aggregation Consortium (August 8th 2016), or the Genome Aggregation Database (Feb 27, 2017). The p.Arg170 residue is not conserved in mammals and four out of five computational analyses (PolyPhen-2, SIFT, AlignGVGD, BLOSUM, MutationTaster) do not suggest a high likelihood of impact to the protein; however, this information is not predictive enough to rule out pathogenicity. The variant occurs outside of the splicing consensus sequence and 2 of 4 in silico or computational prediction software programs (SpliceSiteFinder, MaxEntScan, NNSPLICE, GeneSplicer) predict a greater than 10% difference in splicing; this is not very predictive of pathogenicity. In summary, based on the above information the clinical significance of this variant cannot be determined with certainty at this time. This variant is classified as a variant of uncertain significance.